The following is an entry in ClinVar:

ClinVar aggregate classification (germline): Benign/Likely benign. Review status: criteria provided, multiple submitters, no conflicts (2 of 4 stars). 3 submissions from 3 submitters: Benign (1); Likely benign (2). Last evaluated 2025-12-04.

Conditions:
Inborn genetic diseases. Identifiers: MedGen C0950123, MeSH D030342.
Genitopatellar syndrome (GTPTS). Also called: ABSENT PATELLAE, SCROTAL HYPOPLASIA, RENAL ANOMALIES, FACIAL DYSMORPHISM, AND MENTAL RETARDATION; Genitopatellar syndrome (GPS). Identifiers: Orphanet 85201, MedGen C1853566, MONDO:0011640, OMIM 606170.

Allele frequency attached by ClinVar (database versions not stated): TOPMed 0.00001; ExAC 0.00002; gnomAD 0.00002.
gnomAD v4.1: 22 of 1,613,350 alleles (0.0014%); highest among the groups gnomAD compares: East Asian, 0.038%; no homozygotes.

Submissions (3):

Ambry Genetics
Classification: Likely benign for Inborn genetic diseases. Last evaluated: 2025-12-04. Review status: criteria provided, single submitter. Criteria: Ambry Variant Classification Scheme 2023. Collection method: clinical testing. Allele origin: germline.

Labcorp Genetics (formerly Invitae), Labcorp
Classification: Benign for Genitopatellar syndrome. Last evaluated: 2025-01-02. Review status: criteria provided, single submitter. Criteria: Invitae Variant Classification Sherloc (09022015). Collection method: clinical testing. Allele origin: germline.

CeGaT Center for Human Genetics Tuebingen
Classification: Likely benign. Last evaluated: 2022-12-01. Review status: criteria provided, single submitter. Criteria: CeGaT Center For Human Genetics Tuebingen Variant Classification Criteria Version 2. Collection method: clinical testing. Allele origin: germline. Affected: yes. Observed: 1 variant allele.
Comment: KAT6B: BP4

NM_012330.4(KAT6B):c.2744A>G (p.Tyr915Cys)

Gene: KAT6B (lysine acetyltransferase 6B; plus strand). Cytogenetic location: 10q22.2.
Variant type: single nucleotide variant.
Coding change: c.2744A>G on transcript NM_012330.4 (MANE Select); coding-DNA position 2744, A replaced by G.
Protein change: p.Tyr915Cys; replaces tyrosine 915 with cysteine.
Molecular consequence: missense variant.
Genome position (GRCh38, 1-based): chr10:75,020,696, A>G. VCF-style: chr10-75020696-A-G. GRCh37 (hg19) VCF-style: chr10-76780454-A-G.
Other names: c.1679A>G, p.Tyr560Cys (NM_001370144.1, NM_001370143.1); c.2195A>G, p.Tyr732Cys (NM_001256468.2, NM_001370138.1); c.1868A>G, p.Tyr623Cys (NM_001256469.2, NM_001370139.1, NM_001370140.1 and 2 more transcripts); c.1706A>G, p.Tyr569Cys (NM_001370132.1); c.1055A>G, p.Tyr352Cys (NM_001370133.1); c.659A>G, p.Tyr220Cys (NM_001370134.1); c.401A>G, p.Tyr134Cys (NM_001370135.1); c.2744A>G, p.Tyr915Cys (NM_001370136.1, NM_001370137.1); and 1 more; short protein forms Y915C, Y352C, Y134C, Y220C, Y560C, Y569C, Y623C, Y732C.
Identifiers: ClinVar variation 2198489 (VCV002198489.28), dbSNP rs772829576, ClinGen allele CA5564650.